The following is an entry in ClinVar:

NM_003470.3(USP7):c.792C>T (p.Phe264=)

Gene: USP7 (ubiquitin specific peptidase 7; minus strand). Cytogenetic location: 16p13.2.
Variant type: single nucleotide variant.
Coding change: c.792C>T on transcript NM_003470.3 (MANE Select); coding-DNA position 792, C replaced by T.
Protein change: p.Phe264=; no amino-acid change (phenylalanine 264 retained).
Molecular consequence: synonymous variant. On other transcripts: non-coding transcript variant (1).
Genome position (GRCh38, 1-based): chr16:8,917,085, G>A on the plus strand (C>T on the coding strand, the complement: USP7 is on the minus strand). VCF-style: chr16-8917085-G-A. GRCh37 (hg19) VCF-style: chr16-9010942-G-A.
Other names: c.744C>T, p.Phe248= (NM_001286457.2); c.495C>T, p.Phe165= (NM_001286458.2); c.618C>T, p.Phe206= (NM_001321858.2).
Identifiers: ClinVar variation 2646187 (VCV002646187.28), dbSNP rs766986124, ClinGen allele CA7895604.

ClinVar aggregate classification (germline): Likely benign. Review status: criteria provided, multiple submitters, no conflicts (2 of 4 stars). 3 submissions from 3 submitters: Likely benign (3). Last evaluated 2024-10-18.

Allele frequency attached by ClinVar (database versions not stated): gnomAD 0.00001; gnomAD exomes 0.00001; ExAC 0.00002; TOPMed 0.00002.
gnomAD v4.1: 14 of 1,612,868 alleles (0.00087%); highest among the groups gnomAD compares: East Asian, 0.0022%; no homozygotes.

Submissions (3):

Blueprint Genetics
Classification: Likely benign. Last evaluated: 2024-10-18. Review status: criteria provided, single submitter. Criteria: ACMG Guidelines, 2015. Collection method: clinical testing. Allele origin: germline.

Labcorp Genetics (formerly Invitae), Labcorp
Classification: Likely benign. Last evaluated: 2023-06-28. Review status: criteria provided, single submitter. Criteria: Invitae Variant Classification Sherloc (09022015). Collection method: clinical testing. Allele origin: germline.

CeGaT Center for Human Genetics Tuebingen
Classification: Likely benign. Last evaluated: 2023-06-01. Review status: criteria provided, single submitter. Criteria: CeGaT Center For Human Genetics Tuebingen Variant Classification Criteria Version 2. Collection method: clinical testing. Allele origin: germline. Affected: yes. Observed: 1 variant allele.
Comment: USP7: BP4